The following is an entry in ClinVar:

ClinVar aggregate classification (germline): Uncertain significance (1 of 4 stars; one submission).

gnomAD v4.1: 1 of 1,562,132 alleles (0.000064%); highest among the groups gnomAD compares: Non-Finnish European, 0.000087%; no homozygotes.

Submission:

Labcorp Genetics (formerly Invitae), Labcorp
Classification: Uncertain significance. Last evaluated: 2024-02-24. Review status: criteria provided, single submitter. Criteria: Invitae Variant Classification Sherloc (09022015). Collection method: clinical testing. Allele origin: germline.
Comment: This sequence change replaces glycine, which is neutral and non-polar, with glutamic acid, which is acidic and polar, at codon 824 of the COL4A3 protein (p.Gly824Glu). This variant is not present in population databases (gnomAD no frequency). This variant has not been reported in the literature in individuals affected with COL4A3-related conditions. ClinVar contains an entry for this variant (Variation ID: 2041935). Advanced modeling of protein sequence and biophysical properties (such as structural, functional, and spatial information, amino acid conservation, physicochemical variation, residue mobility, and thermodynamic stability) performed at Invitae indicates that this missense variant is expected to disrupt COL4A3 protein function with a positive predictive value of 80%. In summary, the available evidence is currently insufficient to determine the role of this variant in disease. Therefore, it has been classified as a Variant of Uncertain Significance.

NM_000091.5(COL4A3):c.2471G>A (p.Gly824Glu)

Genes: COL4A3 (collagen type IV alpha 3 chain; plus strand), MFF-DT (MFF divergent transcript; minus strand). Cytogenetic location: 2q36.3.
Variant type: single nucleotide variant.
Coding change: c.2471G>A on transcript NM_000091.5 (MANE Select); coding-DNA position 2471, G replaced by A.
Protein change: p.Gly824Glu; replaces glycine 824 with glutamic acid.
Molecular consequence: missense variant.
Genome position (GRCh38, 1-based): chr2:227,280,989, G>A. VCF-style: chr2-227280989-G-A. GRCh37 (hg19) VCF-style: chr2-228145705-G-A.
Other names: short protein forms G824E.
Identifiers: ClinVar variation 2041935 (VCV002041935.4), dbSNP rs2469759802, ClinGen allele CA350849661.